The following is an entry in ClinVar:

NM_002693.3(POLG):c.679_680del (p.Arg227fs)

Genes: POLG (DNA polymerase gamma, catalytic subunit; minus strand), POLGARF (POLG alternative reading frame; minus strand). Cytogenetic location: 15q26.1.
Variant type: Deletion.
Coding change: c.679_680del on transcript NM_002693.3 (MANE Select); coding-DNA positions 679 to 680, 2 bases deleted (CG; older notation c.679_680delCG).
Protein change: p.Arg227fs; shifts the reading frame from arginine 227.
Molecular consequence: frameshift variant.
Genome position (GRCh38, 1-based): chr15:89,330,256-89,330,257, CG deleted on the plus strand (CG on the coding strand, the reverse complement: POLG is on the minus strand); deleting any 2 consecutive bases within chr15:89,330,256-89,330,258 gives the same sequence; the c. name uses the placement nearest the transcript's 3' end. VCF-style (leftmost placement, unchanged base first): chr15-89330255-CCG-C. GRCh37 (hg19) VCF-style: chr15-89873486-CCG-C.
Other names: c.679_680del, p.Arg227fs (NM_001126131.2); c.678_679delGC, p.Arg227Alafs (NM_002693.2); short protein forms R227fs.
Identifiers: ClinVar variation 3252852 (VCV003252852.4), dbSNP rs2509265966.

ClinVar aggregate classification (germline): Pathogenic/Likely pathogenic. Review status: criteria provided, multiple submitters, no conflicts (2 of 4 stars). 2 submissions from 2 submitters: Pathogenic (1); Likely pathogenic (1). Last evaluated 2025-03-11.

Conditions:
Progressive sclerosing poliodystrophy (MTDPS4A). Also called: Mitochondrial DNA Depletion Syndrome 4A; Alpers-Huttenlocher Syndrome (AHS); ALPERS PROGRESSIVE INFANTILE POLIODYSTROPHY; NEURONAL DEGENERATION OF CHILDHOOD WITH LIVER DISEASE, PROGRESSIVE; Alpers Syndrome; ALPERS DIFFUSE DEGENERATION OF CEREBRAL GRAY MATTER WITH HEPATIC CIRRHOSIS. Identifiers: Orphanet 726, MedGen C0205710, MONDO:0008758, OMIM 203700.

Submissions (2):

GeneDx
Classification: Likely pathogenic. Last evaluated: 2025-03-11. Review status: criteria provided, single submitter. Criteria: GeneDx Variant Classification Process June 2021. Collection method: clinical testing. Allele origin: germline.
Comment: Frameshift variant predicted to result in protein truncation or nonsense mediated decay in a gene for which loss of function is a known mechanism of disease; Not observed at significant frequency in large population cohorts (gnomAD); Has not been previously published as pathogenic or benign to our knowledge

Labcorp Genetics (formerly Invitae), Labcorp
Classification: Pathogenic for Progressive sclerosing poliodystrophy. Last evaluated: 2024-03-04. Review status: criteria provided, single submitter. Criteria: Invitae Variant Classification Sherloc (09022015). Collection method: clinical testing. Allele origin: germline.
Comment: This sequence change creates a premature translational stop signal (p.Arg227Alafs*16) in the POLG gene. It is expected to result in an absent or disrupted protein product. Loss-of-function variants in POLG are known to be pathogenic (PMID: 18546365). This variant is not present in population databases (gnomAD no frequency). This variant has not been reported in the literature in individuals affected with POLG-related conditions. For these reasons, this variant has been classified as Pathogenic.

Literature cited by the submitters: PubMed 18546365 (cited by Labcorp Genetics (formerly Invitae), Labcorp).